The following is an entry in ClinVar:

ClinVar aggregate classification (germline): Likely pathogenic (1 of 4 stars; one submission).

Conditions:
Intellectual disability, autosomal dominant 14 (CSS2). Also called: COFFIN-SIRIS SYNDROME 2. Identifiers: Orphanet 1465, MedGen C3553247, MONDO:0013819, OMIM 614607.

Submission:

3billion
Classification: Likely pathogenic for Intellectual disability, autosomal dominant 14. Last evaluated: 2025-11-17. Review status: criteria provided, single submitter. Criteria: ACMG Guidelines, 2015. Collection method: clinical testing. Allele origin: germline. Affected: yes.
Comment: The variant is not observed in the gnomAD v4.1.0 dataset. Predicted Consequence/Location: Canonical splice site: predicted to alter splicing and result in a loss or disruption of normal protein function. Multiple pathogenic loss-of-function variants are reported downstream of the variant. In silico tools predict the variant to alter splicing and produce an abnormal transcript [SpliceAI: 1.00 (spliceogenicity >=0.2, non-spliceogenicity <0.1)]. Therefore, this variant is classified as Likely pathogenic according to the recommendation of ACMG/AMP guideline.

NM_006015.6(ARID1A):c.1920+2T>G

Gene: ARID1A (AT-rich interaction domain 1A; plus strand). Cytogenetic location: 1p36.11.
Variant type: single nucleotide variant.
Coding change: c.1920+2T>G on transcript NM_006015.6 (MANE Select); the canonical splice donor site of the intron after coding-DNA position 1920, T replaced by G.
Molecular consequence: splice donor variant.
Genome position (GRCh38, 1-based): chr1:26,732,794, T>G. VCF-style: chr1-26732794-T-G. GRCh37 (hg19) VCF-style: chr1-27059285-T-G.
Other names: c.1920+2T>G (NM_139135.4).
Identifiers: ClinVar variation 4855966 (VCV004855966.1).